The following is an entry in ClinVar:

NM_001130987.2(DYSF):c.4904A>G (p.Asn1635Ser)

Gene: DYSF (dysferlin; plus strand). Cytogenetic location: 2p13.2.
Variant type: single nucleotide variant.
Coding change: c.4904A>G on transcript NM_001130987.2 (MANE Select); coding-DNA position 4904, A replaced by G.
Protein change: p.Asn1635Ser; replaces asparagine 1635 with serine.
Molecular consequence: missense variant.
Genome position (GRCh38, 1-based): chr2:71,659,026, A>G. VCF-style: chr2-71659026-A-G. GRCh37 (hg19) VCF-style: chr2-71886156-A-G.
Other names: c.4790A>G, p.Asn1597Ser (NM_001130455.2); c.4745A>G, p.Asn1582Ser (NM_001130976.2); c.4808A>G, p.Asn1603Ser (NM_001130977.2); c.4850A>G, p.Asn1617Ser (NM_001130978.2); c.4880A>G, p.Asn1627Ser (NM_001130979.2); c.4838A>G, p.Asn1613Ser (NM_001130980.2); c.4901A>G, p.Asn1634Ser (NM_001130981.2); c.4883A>G, p.Asn1628Ser (NM_001130982.2); and 5 more; short protein forms N1635S, N1596S, N1583S, N1617S, N1618S, N1627S, N1597S, N1604S.
Identifiers: ClinVar variation 288577 (VCV000288577.23), dbSNP rs772664716, ClinGen allele CA1707164.

ClinVar aggregate classification (germline): Conflicting classifications of pathogenicity. Review status: criteria provided, conflicting classifications (1 of 4 stars). 7 submissions from 7 submitters: Uncertain significance (4); Likely benign (2). 1 of the submissions does not count toward it. Last evaluated 2025-12-03.

Conditions:
Neuromuscular disease caused by qualitative or quantitative defects of dysferlin. Also called: Qualitative or quantitative defects of dysferlin; Dysferlinopathy. Identifiers: Orphanet 207073, MedGen C2931687, MONDO:0016145.
Autosomal recessive limb-girdle muscular dystrophy type 2B (LGMDR2). Also called: MUSCULAR DYSTROPHY, LIMB-GIRDLE, TYPE 3; MUSCULAR DYSTROPHY, LIMB-GIRDLE, AUTOSOMAL RECESSIVE 2; Limb-Girdle Muscular Dystrophy Type 2B (LGMD2B); Limb-girdle muscular dystrophy, type 2B. Identifiers: Orphanet 268, MedGen C1850889, MONDO:0009676, OMIM 253601.

Allele frequency attached by ClinVar (database versions not stated): TOPMed 0.00008; gnomAD 0.00009 and 0.00010.
gnomAD v4.1: 187 of 1,614,126 alleles (0.012%); highest among the groups gnomAD compares: East Asian, 0.011%; no homozygotes.

Submissions (7):

Labcorp Genetics (formerly Invitae), Labcorp
Classification: Likely benign for Neuromuscular disease caused by qualitative or quantitative defects of dysferlin. Last evaluated: 2025-12-03. Review status: criteria provided, single submitter. Criteria: Invitae Variant Classification Sherloc (09022015). Collection method: clinical testing. Allele origin: germline.

Blueprint Genetics
Classification: Likely benign. Last evaluated: 2024-11-13. Review status: criteria provided, single submitter. Criteria: ACMG Guidelines, 2015. Collection method: clinical testing. Allele origin: germline.

Athena Diagnostics
Classification: Uncertain significance. Last evaluated: 2023-02-21. Review status: criteria provided, single submitter. Criteria: Athena Diagnostics Criteria. Collection method: clinical testing. Allele origin: unknown.
Comment: Available data are insufficient to determine the clinical significance of the variant at this time. The frequency of this variant in the general population is uninformative in assessment of its pathogenicity. Computational tools disagree on the variant's effect on normal protein function.

Revvity Omics, Revvity
Classification: Uncertain significance. Last evaluated: 2019-09-27. Review status: criteria provided, single submitter. Criteria: ACMG Guidelines, 2015. Collection method: clinical testing. Allele origin: germline.

Eurofins Ntd Llc (ga)
Classification: Uncertain significance. Last evaluated: 2018-04-25. Review status: criteria provided, single submitter. Criteria: EGL ClinVar v180209 classification definitions. Collection method: clinical testing. Allele origin: germline. Observed: 4 variant alleles, 4 heterozygotes.

GeneDx
Classification: Uncertain significance. Last evaluated: 2017-04-18. Review status: criteria provided, single submitter. Criteria: GeneDx Variant Classification (06012015). Collection method: clinical testing. Allele origin: germline. Affected: yes.
Comment: A variant of uncertain significance has been identified in the DYSF gene. The N1596S variant has not been published as a pathogenic variant, nor has it been reported as a benign variant to our knowledge. The N1596S variant is observed in 6/6612 (0.09%) alleles from individuals of European background (Lek et al., 2016; 1000 Genomes Consortium et al., 2015; Exome Variant Server). The N1596S variant is a conservative amino acid substitution, which is not likely to impact secondary protein structure as these residues share similar properties. However, this substitution occurs at a position that is conserved across species. In silico analysis predicts this variant is probably damaging to the protein structure/function. Therefore, based on the currently available information, it is unclear whether this variant is a pathogenic variant or a rare benign variant.

Natera, Inc.
Classification: Uncertain significance for Limb-girdle muscular dystrophy type 2B. Last evaluated: 2020-09-16. Review status: no assertion criteria provided. Collection method: clinical testing. Allele origin: germline. Not counted in ClinVar's aggregate classification.

Literature cited by the submitters: PubMed 30564623 (cited by Athena Diagnostics).